The following is an entry in ClinVar:

ClinVar aggregate classification (germline): Likely benign. Review status: criteria provided, single submitter (1 of 4 stars). 2 submissions from 2 submitters: Likely benign (1). 1 of the submissions does not count toward it. Last evaluated 2025-08-01.

Conditions:
PRR12-related disorder. Also called: PRR12-related condition.

Allele frequency attached by ClinVar (database versions not stated): ESP Exome Variant Server 0.00017; TOPMed 0.00019; gnomAD 0.00023; ExAC 0.00027; gnomAD exomes 0.00032.
gnomAD v4.1: 494 of 1,600,834 alleles (0.031%); highest among the groups gnomAD compares: Non-Finnish European, 0.038%; no homozygotes.

Submissions (2):

CeGaT Center for Human Genetics Tuebingen
Classification: Likely benign. Last evaluated: 2025-08-01. Review status: criteria provided, single submitter. Criteria: CeGaT Center For Human Genetics Tuebingen Variant Classification Criteria Version 2. Collection method: clinical testing. Allele origin: germline. Affected: yes. Observed: 1 variant allele.
Comment: PRR12: BP4, BP7

PreventionGenetics, part of Exact Sciences
Classification: Likely benign for PRR12-related condition. Last evaluated: 2019-06-06. Review status: no assertion criteria provided. Collection method: clinical testing. Allele origin: germline. Not counted in ClinVar's aggregate classification.
Comment: This variant is classified as likely benign based on ACMG/AMP sequence variant interpretation guidelines (Richards et al. 2015 PMID: 25741868, with internal and published modifications).

NM_020719.3(PRR12):c.1668C>T (p.Gly556=)

Gene: PRR12 (proline rich 12; plus strand). Cytogenetic location: 19q13.33.
Variant type: single nucleotide variant.
Coding change: c.1668C>T on transcript NM_020719.3 (MANE Select); coding-DNA position 1668, C replaced by T.
Protein change: p.Gly556=; no amino-acid change (glycine 556 retained).
Molecular consequence: synonymous variant.
Genome position (GRCh38, 1-based): chr19:49,596,003, C>T. VCF-style: chr19-49596003-C-T. GRCh37 (hg19) VCF-style: chr19-50099260-C-T.
Identifiers: ClinVar variation 3044262 (VCV003044262.10), dbSNP rs372819652, ClinGen allele CA9577919.
Genomic context (GRCh38, chr19:49,596,003, plus strand): 5'-CCATTCCCCAGCGCTCTCGGGCCATGGGGGTGGCTGGGGACCCAGCTCCCTGGGAGGCGG[C>T]GGTGAGGCCAGCCCATCTCACATCATTCGTCCGCTCCAGTCACCGCCTGCCACCGGCCGT-3'
Protein context (NP_065770.1, residues 546-566): GGWGPSSLGG[Gly556=]GEASPSHIIR